The following is an entry in ClinVar:

ClinVar aggregate classification (germline): Uncertain significance (1 of 4 stars; one submission).

Conditions:
Kabuki syndrome. Also called: Kabuki make-up syndrome; NIIKAWA-KUROKI SYNDROME. Identifiers: Orphanet 2322, MedGen C0796004, MONDO:0016512.

Submission:

Labcorp Genetics (formerly Invitae), Labcorp
Classification: Uncertain significance for Kabuki syndrome. Last evaluated: 2022-04-03. Review status: criteria provided, single submitter. Criteria: Invitae Variant Classification Sherloc (09022015). Collection method: clinical testing. Allele origin: germline.
Comment: This sequence change replaces leucine, which is neutral and non-polar, with methionine, which is neutral and non-polar, at codon 626 of the KMT2D protein (p.Leu626Met). In summary, the available evidence is currently insufficient to determine the role of this variant in disease. Therefore, it has been classified as a Variant of Uncertain Significance. Advanced modeling of protein sequence and biophysical properties (such as structural, functional, and spatial information, amino acid conservation, physicochemical variation, residue mobility, and thermodynamic stability) performed at Invitae indicates that this missense variant is not expected to disrupt KMT2D protein function. This variant has not been reported in the literature in individuals affected with KMT2D-related conditions. This variant is not present in population databases (gnomAD no frequency).

NM_003482.4(KMT2D):c.1876C>A (p.Leu626Met)

Gene: KMT2D (lysine methyltransferase 2D; minus strand). Cytogenetic location: 12q13.12.
Variant type: single nucleotide variant.
Coding change: c.1876C>A on transcript NM_003482.4 (MANE Select); coding-DNA position 1876, C replaced by A.
Protein change: p.Leu626Met; replaces leucine 626 with methionine.
Molecular consequence: missense variant.
Genome position (GRCh38, 1-based): chr12:49,051,807, G>T on the plus strand (C>A on the coding strand, the complement: KMT2D is on the minus strand). VCF-style: chr12-49051807-G-T. GRCh37 (hg19) VCF-style: chr12-49445590-G-T.
Other names: short protein forms L626M.
Identifiers: ClinVar variation 2121118 (VCV002121118.4), dbSNP rs2120676678, ClinGen allele CA384669938.